The following is an entry in ClinVar:

NM_019616.4(F7):c.854G>A (p.Arg285His)

Gene: F7 (coagulation factor VII; plus strand). Cytogenetic location: 13q34.
Variant type: single nucleotide variant.
Coding change: c.854G>A on transcript NM_019616.4 (MANE Select); coding-DNA position 854, G replaced by A.
Protein change: p.Arg285His; replaces arginine 285 with histidine.
Molecular consequence: missense variant. On other transcripts: non-coding transcript variant (1).
Genome position (GRCh38, 1-based): chr13:113,118,527, G>A. VCF-style: chr13-113118527-G-A. GRCh37 (hg19) VCF-style: chr13-113772841-G-A.
Other names: F7, ARG247HIS; R247H; Factor VII Mie; c.920G>A, p.Arg307His (NM_000131.5); c.668G>A, p.Arg223His (NM_001267554.2); short protein forms R223H, R285H, R307H.
Identifiers: ClinVar variation 1163548 (VCV001163548.12), dbSNP rs121964929, ClinGen allele CA7060168.

ClinVar aggregate classification (germline): Pathogenic/Likely pathogenic. Review status: criteria provided, multiple submitters, no conflicts (2 of 4 stars). 6 submissions from 6 submitters: Pathogenic (1); Likely pathogenic (3). 2 of the submissions do not count toward it. Last evaluated 2026-04-29.

Conditions:
Congenital factor VII deficiency. Identifiers: Orphanet 327, MedGen C0272320, MONDO:0009211, OMIM 227500.
Factor VII deficiency. Also called: Factor 7 deficiency; F7 DEFICIENCY; HYPOPROCONVERTINEMIA. Identifiers: MedGen C0015503, MeSH D005168, MONDO:0002244.
F7-related disorder. Also called: F7-related condition.

Allele frequency attached by ClinVar (database versions not stated): gnomAD exomes 0.00001 and 0.00002; gnomAD 0.00008 and 0.00009; ExAC 0.00003; TOPMed 0.00014.

Submissions (6):

GeneDx
Classification: Likely pathogenic. Last evaluated: 2026-04-29. Review status: criteria provided, single submitter. Criteria: GeneDx Variant Classification Process June 2021. Collection method: clinical testing. Allele origin: germline.
Comment: Published functional studies suggest a damaging effect on expression and secretion (PMID: 7974346); In silico analysis supports that this missense variant has a deleterious effect on protein structure/function; This variant is associated with the following publications: (PMID: 7974346, 38202056, 18976247, 27848944)

Genomic Medicine Center of Excellence, King Faisal Specialist Hospital and Research Centre
Classification: Likely pathogenic for Congenital factor VII deficiency. Last evaluated: 2024-03-17. Review status: criteria provided, single submitter. Criteria: ACMG Guidelines, 2015. Collection method: research. Allele origin: germline.

Women's Health and Genetics/Laboratory Corporation of America, LabCorp
Classification: Pathogenic for Congenital factor VII deficiency. Last evaluated: 2023-11-09. Review status: criteria provided, single submitter. Criteria: LabCorp Variant Classification Summary - May 2015. Collection method: clinical testing. Allele origin: germline.
Comment: Variant summary: F7 c.920G>A (p.Arg307His) results in a non-conservative amino acid change located in the Serine proteases, trypsin domain (IPR001254) of the encoded protein sequence. Four of five in-silico tools predict a benign effect of the variant on protein function. The variant allele was found at a frequency of 2.4e-05 in 248952 control chromosomes. c.920G>A, also known as p.Arg247His has been reported at a homozygous state in at-least four individuals affected with Congenital factor VII deficiency (examples, Trujillano_2017, Ohiwa_1994). Furthermore, this variant at a heterozygous state, was reported in one individual with bleeding symptoms including gum bleed, hematomas and reduced FVII levels (Herrmann_2009) and in several relatives with moderately impaired prothrombin time, reduced levels and activities of factor VII antigen (Ohiwa_1994). These data indicate that the variant is very likely to be associated with disease. At least one publication reports experimental evidence evaluating an impact on protein function. The most pronounced variant effect results in impaired secretion of the mutated factor VII (about 58% of WT) (Ohiwa_1994). The following publications have been ascertained in the context of this evaluation (PMID: 7974346, 27848944, 18976247). One submitter has cited clinical-significance assessments for this variant to ClinVar after 2014 and has classified the variant as likely pathogenic. Based on the evidence outlined above, the variant was classified as pathogenic.

Mayo Clinic Laboratories, Mayo Clinic
Classification: Likely pathogenic. Last evaluated: 2020-12-09. Review status: criteria provided, single submitter. Criteria: ACMG Guidelines, 2015. Collection method: clinical testing. Allele origin: germline. Observed: 1 variant allele.
Comment: PS3, PS4_moderate, PM1, PM2, PP1

PreventionGenetics, part of Exact Sciences
Classification: Likely pathogenic for F7-related condition. Last evaluated: 2024-06-26. Review status: no assertion criteria provided. Collection method: clinical testing. Allele origin: germline. Not counted in ClinVar's aggregate classification.
Comment: The F7 c.920G>A variant is predicted to result in the amino acid substitution p.Arg307His. This variant was reported in the homozygous state in individuals with clinically asymptomatic Factor VII deficiency; in vitro functional studies indicated that this variant results in impaired secretion (Ohiwa et al. 1994. PubMed ID: 7974346). This variant was also described in the homozygous state in an individual with an abnormality of coagulation (Trujillano et al. 2016. PubMed ID: 27848944, supplementary data). This variant is reported in 0.0081% of alleles in individuals of African descent in gnomAD. Taken together, we classify this variant as likely pathogenic.

OMIM
Classification: Pathogenic for FACTOR VII DEFICIENCY. Last evaluated: 1994-06-01. Review status: no assertion criteria provided. Collection method: literature only. Allele origin: germline. Not counted in ClinVar's aggregate classification.

Literature cited by the submitters: PubMed 27848944 (cited by Women's Health and Genetics/Laboratory Corporation of America, LabCorp and Mayo Clinic Laboratories, Mayo Clinic); PubMed 18976247 (cited by Women's Health and Genetics/Laboratory Corporation of America, LabCorp and Mayo Clinic Laboratories, Mayo Clinic); PubMed 7974346 (cited by 3 submitters).